The following is an entry in ClinVar:

NM_000540.3(RYR1):c.3456C>T (p.Ile1152=)

Gene: RYR1 (ryanodine receptor 1; plus strand). Cytogenetic location: 19q13.2.
Variant type: single nucleotide variant.
Coding change: c.3456C>T on transcript NM_000540.3 (MANE Select); coding-DNA position 3456, C replaced by T.
Protein change: p.Ile1152=; no amino-acid change (isoleucine 1152 retained).
Molecular consequence: synonymous variant.
Genome position (GRCh38, 1-based): chr19:38,469,040, C>T. VCF-style: chr19-38469040-C-T. GRCh37 (hg19) VCF-style: chr19-38959680-C-T.
Other names: p.Ile1152=; c.3456C>T, p.Ile1152= (NM_001042723.2).
Identifiers: ClinVar variation 93263 (VCV000093263.36), dbSNP rs11083462, ClinGen allele CA024399.

ClinVar aggregate classification (germline): Benign/Likely benign. Review status: criteria provided, multiple submitters, no conflicts (2 of 4 stars). 17 submissions from 15 submitters: Benign (12); Likely benign (1). 4 of the submissions do not count toward it. Last evaluated 2026-02-04.

Conditions:
Central core myopathy (CMYO1A). Also called: CONGENITAL MYOPATHY 1A, AUTOSOMAL DOMINANT, WITH SUSCEPTIBILITY TO MALIGNANT HYPERTHERMIA; Central core disease; Myopathy, central fibrillar. Identifiers: Orphanet 597, MedGen C5830701, MONDO:0007294, OMIM 117000.
Congenital multicore myopathy with external ophthalmoplegia (CMYO1B). Also called: MULTIMINICORE DISEASE WITH EXTERNAL OPHTHALMOPLEGIA; MULTICORE MYOPATHY; Minicore myopathy with external ophthalmoplegia; Congenital myopathy 1B, autosomal recessive; Minicore myopathy. Identifiers: Orphanet 598, Orphanet 98905, MedGen C1850674, MONDO:0009712, OMIM 255320, HP:0003789.
Malignant hyperthermia, susceptibility to, 1 (MHS1). Also called: Malignant hyperthermia suceptibility 1; Anesthesia related hyperthermia; Malignant hyperpyrexia; Fulminating hyperpyrexia; Pharmacogenic myopathy; RYR1-Related Malignant Hyperthermia Susceptibility. Identifiers: Orphanet 423, MedGen C2930980, MONDO:0007783, OMIM 145600.
RYR1-related disorder. Also called: RYR1-related condition; RYR1-related disorders. Identifiers: MedGen CN239331.

Allele frequency attached by ClinVar (database versions not stated): TOPMed 0.37789; gnomAD 0.38131 and 0.38682; ESP Exome Variant Server 0.38290; 1000 Genomes Project 30x 0.44722; 1000 Genomes Project 0.44928.
gnomAD v4.1: 601,868 of 1,613,670 alleles (37%); highest among the groups gnomAD compares: South Asian, 52%; 114,716 homozygotes.

Submissions (17):

Labcorp Genetics (formerly Invitae), Labcorp
Classification: Benign for RYR1-related disorder. Last evaluated: 2026-02-04. Review status: criteria provided, single submitter. Criteria: Invitae Variant Classification Sherloc (09022015). Collection method: clinical testing. Allele origin: germline.

Blueprint Genetics
Classification: Likely benign. Last evaluated: 2024-11-28. Review status: criteria provided, single submitter. Criteria: ACMG Guidelines, 2015. Collection method: clinical testing. Allele origin: germline.

Color Diagnostics, LLC DBA Color Health
Classification: Benign for Malignant hyperthermia, susceptibility to, 1. Last evaluated: 2019-03-29. Review status: criteria provided, single submitter. Criteria: ACMG Guidelines, 2015. Collection method: clinical testing. Allele origin: germline.

PreventionGenetics, part of Exact Sciences
Classification: Benign. Last evaluated: 2018-04-02. Review status: criteria provided, single submitter. Criteria: ACMG Guidelines, 2015. Collection method: clinical testing. Allele origin: germline.

Illumina Laboratory Services, Illumina
Classification: Benign for Congenital multicore myopathy with external ophthalmoplegia. Last evaluated: 2018-01-13. Review status: criteria provided, single submitter. Criteria: ICSL Variant Classification Criteria 13 December 2019. Collection method: clinical testing. Allele origin: germline.
Comment: This variant was observed in the ICSL laboratory as part of a predisposition screen in an ostensibly healthy population. It had not been previously curated by ICSL or reported in the Human Gene Mutation Database (HGMD: prior to June 1st, 2018), and was therefore a candidate for classification through an automated scoring system. Utilizing variant allele frequency, disease prevalence and penetrance estimates, and inheritance mode, an automated score was calculated to assess if this variant is too frequent to cause the disease. Based on the score and internal cut-off values, a variant classified as benign is not then subjected to further curation. The score for this variant resulted in a classification of benign for this disease.

Illumina Laboratory Services, Illumina
Classification: Benign for Malignant hyperthermia, susceptibility to, 1. Last evaluated: 2018-01-13. Review status: criteria provided, single submitter. Criteria: ICSL Variant Classification Criteria 13 December 2019. Collection method: clinical testing. Allele origin: germline.
Comment: the same text as in the submission from Illumina Laboratory Services, Illumina above.

Illumina Laboratory Services, Illumina
Classification: Benign for Central core myopathy. Last evaluated: 2018-01-13. Review status: criteria provided, single submitter. Criteria: ICSL Variant Classification Criteria 13 December 2019. Collection method: clinical testing. Allele origin: germline.
Comment: the same text as in the submission from Illumina Laboratory Services, Illumina above.

Mayo Clinic Laboratories, Mayo Clinic
Classification: Benign. Last evaluated: 2017-08-24. Review status: criteria provided, single submitter. Criteria: ACMG Guidelines, 2015. Collection method: clinical testing. Allele origin: germline. Observed: 470 variant alleles.

GeneDx
Classification: Benign. Last evaluated: 2016-01-25. Review status: criteria provided, single submitter. Criteria: GeneDx Variant Classification (06012015). Collection method: clinical testing. Allele origin: germline. Affected: yes.
Comment: This variant is considered likely benign or benign based on one or more of the following criteria: it is a conservative change, it occurs at a poorly conserved position in the protein, it is predicted to be benign by multiple in silico algorithms, and/or has population frequency not consistent with disease.

Laboratory for Molecular Medicine, Mass General Brigham Personalized Medicine
Classification: Benign. Last evaluated: 2015-01-13. Review status: criteria provided, single submitter. Criteria: LMM Criteria. Collection method: clinical testing. Allele origin: germline. Observed: 3 variant alleles.
Comment: p.Ile1152Ile in exon 26 of RYR1: This variant is not expected to have clinical s ignificance because it does not alter an amino acid residue and is not located w ithin the splice consensus sequence. It has been identified in 43.8% (1932/4406) of African American chromosomes from a broad population by the NHLBI Exome Sequ encing Project (dbSNP rs11083462).

Eurofins Ntd Llc (ga)
Classification: Benign. Last evaluated: 2014-04-22. Review status: criteria provided, single submitter. Criteria: EGL Classification Definitions 2015. Collection method: clinical testing. Allele origin: germline. Observed: 31 variant alleles, 24 heterozygotes, 7 homozygotes.

Genetic Services Laboratory, University of Chicago
Classification: Benign. Last evaluated: 2013-08-15. Review status: criteria provided, single submitter. Criteria: ACMG Guidelines, 2007. Collection method: clinical testing. Allele origin: germline. Inheritance: Autosomal unknown.

Breakthrough Genomics
Classification: Benign. Review status: criteria provided, single submitter. Criteria: ACMG Guidelines, 2015. Collection method: not provided. Allele origin: germline. Inheritance: Autosomal recessive inheritance. Affected: yes.

Clinical Genetics, Academic Medical Center
Classification: Benign. Review status: no assertion criteria provided. Collection method: clinical testing. Allele origin: germline. Affected: yes. Study: VKGL Data-share Consensus. Not counted in ClinVar's aggregate classification.

Diagnostic Laboratory, Department of Genetics, University Medical Center Groningen
Classification: Benign. Review status: no assertion criteria provided. Collection method: clinical testing. Allele origin: germline. Affected: yes. Study: VKGL Data-share Consensus. Not counted in ClinVar's aggregate classification.

Joint Genome Diagnostic Labs from Nijmegen and Maastricht, Radboudumc and MUMC+
Classification: Benign. Review status: no assertion criteria provided. Collection method: clinical testing. Allele origin: germline. Affected: yes. Study: VKGL Data-share Consensus. Not counted in ClinVar's aggregate classification.

RYR1 database
No classification provided. Review status: no classification provided. Collection method: not provided. Allele origin: unknown. Not counted in ClinVar's aggregate classification.